The following is an entry in ClinVar:

ClinVar aggregate classification (germline): Pathogenic. Review status: criteria provided, multiple submitters, no conflicts (2 of 4 stars). 2 submissions from 2 submitters: Pathogenic (2). Last evaluated 2023-11-27.

Submissions (2):

GeneDx
Classification: Pathogenic. Last evaluated: 2023-11-27. Review status: criteria provided, single submitter. Criteria: GeneDx Variant Classification Process June 2021. Collection method: clinical testing. Allele origin: germline. Affected: yes.
Comment: Frameshift variant predicted to result in protein truncation or nonsense mediated decay in a gene for which loss of function is a known mechanism of disease; Not observed at significant frequency in large population cohorts (gnomAD); This variant is associated with the following publications: (PMID: 28191890, 25363768, 27824329, 31785789, 35982159, 22495309)

Laboratory of Molecular Genetics (Pr. Bezieau's lab), CHU de Nantes
Classification: Pathogenic. Last evaluated: 2019-11-06. Review status: criteria provided, single submitter. Criteria: ACMG Guidelines, 2015. Collection method: clinical testing. Allele origin: germline. Affected: yes.

NM_014516.4(CNOT3):c.1979_1980del (p.Val660fs)

Gene: CNOT3 (CCR4-NOT transcription complex subunit 3; plus strand). Cytogenetic location: 19q13.42.
Variant type: Microsatellite.
Coding change: c.1979_1980del on transcript NM_014516.4 (MANE Select); coding-DNA positions 1979 to 1980, 2 bases deleted (TG; older notation c.1979_1980delTG).
Protein change: p.Val660fs; shifts the reading frame from valine 660.
Molecular consequence: frameshift variant.
Genome position (GRCh38, 1-based): chr19:54,152,941-54,152,942, TG deleted; deleting any 2 consecutive bases within chr19:54,152,939-54,152,942 gives the same sequence; the c. name uses the placement nearest the transcript's 3' end. VCF-style (leftmost placement, unchanged base first): chr19-54152938-CTG-C. GRCh37 (hg19) VCF-style: chr19-54656675-CTG-C.
Other names: short protein forms V660fs.
Identifiers: ClinVar variation 916115 (VCV000916115.3), dbSNP rs2075208108, ClinGen allele CA658767941.